The following is an entry in ClinVar:

NM_001297.5(CNGB1):c.524A>G (p.Lys175Arg)

Gene: CNGB1 (cyclic nucleotide gated channel subunit beta 1; minus strand). Cytogenetic location: 16q21.
Variant type: single nucleotide variant.
Coding change: c.524A>G on transcript NM_001297.5 (MANE Select); coding-DNA position 524, A replaced by G.
Protein change: p.Lys175Arg; replaces lysine 175 with arginine.
Molecular consequence: missense variant.
Genome position (GRCh38, 1-based): chr16:57,960,850, T>C on the plus strand (A>G on the coding strand, the complement: CNGB1 is on the minus strand). VCF-style: chr16-57960850-T-C. GRCh37 (hg19) VCF-style: chr16-57994754-T-C.
Other names: c.524A>G, p.Lys175Arg (NM_001135639.2, NM_001286130.2); short protein forms K175R.
Identifiers: ClinVar variation 1898178 (VCV001898178.5), dbSNP rs994395352, ClinGen allele CA281625252.

ClinVar aggregate classification (germline): Uncertain significance (1 of 4 stars; one submission).

Allele frequency attached by ClinVar (database versions not stated): gnomAD 0.00002; TOPMed 0.00002; gnomAD exomes 0.00001.
gnomAD v4.1: 12 of 1,613,650 alleles (0.00074%); highest among the groups gnomAD compares: African/African-American, 0.011%; no homozygotes.

Submission:

Labcorp Genetics (formerly Invitae), Labcorp
Classification: Uncertain significance. Last evaluated: 2022-05-03. Review status: criteria provided, single submitter. Criteria: Invitae Variant Classification Sherloc (09022015). Collection method: clinical testing. Allele origin: germline.
Comment: In summary, the available evidence is currently insufficient to determine the role of this variant in disease. Therefore, it has been classified as a Variant of Uncertain Significance. Advanced modeling of protein sequence and biophysical properties (such as structural, functional, and spatial information, amino acid conservation, physicochemical variation, residue mobility, and thermodynamic stability) performed at Invitae indicates that this missense variant is not expected to disrupt CNGB1 protein function. This variant has not been reported in the literature in individuals affected with CNGB1-related conditions. This variant is present in population databases (no rsID available, gnomAD 0.004%). This sequence change replaces lysine, which is basic and polar, with arginine, which is basic and polar, at codon 175 of the CNGB1 protein (p.Lys175Arg).